The following is an entry in ClinVar:

ClinVar aggregate classification (germline): Uncertain significance (1 of 4 stars; one submission).

Conditions:
Hereditary cancer-predisposing syndrome. Also called: Neoplastic Syndromes, Hereditary; Tumor predisposition; Hereditary Cancer Syndrome; Hereditary neoplastic syndrome. Identifiers: Orphanet 140162, MedGen C0027672, MeSH D009386, MONDO:0015356.

Submission:

Ambry Genetics
Classification: Uncertain significance for Hereditary cancer-predisposing syndrome. Last evaluated: 2026-05-21. Review status: criteria provided, single submitter. Criteria: Ambry Variant Classification Scheme 2023. Collection method: clinical testing. Allele origin: germline.
Comment: The p.A798G variant (also known as c.2393C>G), located in coding exon 16 of the CTNNA1 gene, results from a C to G substitution at nucleotide position 2393. The alanine at codon 798 is replaced by glycine, an amino acid with similar properties. This amino acid position is conserved. In addition, the in silico prediction for this alteration is inconclusive. Based on the available evidence, the clinical significance of this variant remains unclear.

NM_001903.5(CTNNA1):c.2393C>G (p.Ala798Gly)

Gene: CTNNA1 (catenin alpha 1; plus strand). Cytogenetic location: 5q31.2.
Variant type: single nucleotide variant.
Coding change: c.2393C>G on transcript NM_001903.5 (MANE Select); coding-DNA position 2393, C replaced by G.
Protein change: p.Ala798Gly; replaces alanine 798 with glycine.
Molecular consequence: missense variant. On other transcripts: intron variant (1).
Genome position (GRCh38, 1-based): chr5:138,932,672, C>G. VCF-style: chr5-138932672-C-G. GRCh37 (hg19) VCF-style: chr5-138268361-C-G.
Other names: c.2393C>G, p.Ala798Gly (NM_001290307.3, NM_001323982.2, NM_001323983.1 and 2 more transcripts); c.2084C>G, p.Ala695Gly (NM_001290309.3); c.2024C>G, p.Ala675Gly (NM_001290310.3); c.1283C>G, p.Ala428Gly (NM_001290312.1, NM_001323996.1, NM_001323997.1 and 16 more transcripts); c.944C>G, p.Ala315Gly (NM_001324006.1, NM_001324007.1, NM_001324008.1 and 2 more transcripts); c.1190C>G, p.Ala397Gly (NM_001324011.1); c.1040C>G, p.Ala347Gly (NM_001324012.1, NM_001324013.1); c.1189-1130C>G (NM_001324001.1); and 1 more; short protein forms A315G, A347G, A397G, A428G, A675G, A695G, A767G, A798G.
Identifiers: ClinVar variation 4869490 (VCV004869490.1).